The following is an entry in ClinVar:

ClinVar aggregate classification (germline): Uncertain significance. Review status: criteria provided, multiple submitters, no conflicts (2 of 4 stars). 2 submissions from 2 submitters: Uncertain significance (2). Last evaluated 2026-01-22.

Allele frequency attached by ClinVar (database versions not stated): ExAC 0.00014; 1000 Genomes Project 0.00020; gnomAD exomes 0.00004; gnomAD 0.00007; TOPMed 0.00009; 1000 Genomes Project 30x 0.00016.

Submissions (2):

GeneDx
Classification: Uncertain significance. Last evaluated: 2026-01-22. Review status: criteria provided, single submitter. Criteria: GeneDx Variant Classification Process June 2021. Collection method: clinical testing. Allele origin: germline.
Comment: Has not been previously published as pathogenic or benign to our knowledge; Nonsense variant predicted to result in protein truncation as the last 2 amino acid(s) are lost with an unclear effect on protein function

Labcorp Genetics (formerly Invitae), Labcorp
Classification: Uncertain significance. Last evaluated: 2022-09-13. Review status: criteria provided, single submitter. Criteria: Invitae Variant Classification Sherloc (09022015). Collection method: clinical testing. Allele origin: germline.
Comment: This sequence change creates a premature translational stop signal (p.Trp620*) in the GPAA1 gene. While this is not anticipated to result in nonsense mediated decay, it is expected to disrupt the last 2 amino acid(s) of the GPAA1 protein. This variant is present in population databases (rs200239582, gnomAD 0.2%). This variant has not been reported in the literature in individuals affected with GPAA1-related conditions. Experimental studies and prediction algorithms are not available or were not evaluated, and the functional significance of this variant is currently unknown. Algorithms developed to predict the effect of sequence changes on RNA splicing suggest that this variant may create or strengthen a splice site. In summary, the available evidence is currently insufficient to determine the role of this variant in disease. Therefore, it has been classified as a Variant of Uncertain Significance.

NM_003801.4(GPAA1):c.1859G>A (p.Trp620Ter)

Gene: GPAA1 (glycosylphosphatidylinositol anchor attachment 1; plus strand). Cytogenetic location: 8q24.3.
Variant type: single nucleotide variant.
Coding change: c.1859G>A on transcript NM_003801.4 (MANE Select); coding-DNA position 1859, G replaced by A.
Protein change: p.Trp620Ter; replaces tryptophan 620 with a stop codon.
Molecular consequence: nonsense.
Genome position (GRCh38, 1-based): chr8:144,086,118, G>A. VCF-style: chr8-144086118-G-A. GRCh37 (hg19) VCF-style: chr8-145141021-G-A.
Other names: c.1859G>A (NM_003801.3); short protein forms W620*.
Identifiers: ClinVar variation 2413776 (VCV002413776.4), dbSNP rs200239582, ClinGen allele CA4933270.